The following is an entry in ClinVar:

ClinVar aggregate classification (germline): Pathogenic (1 of 4 stars; one submission).

Conditions:
Deficiency of aromatic-L-amino-acid decarboxylase. Also called: AADC DEFICIENCY; DDC DEFICIENCY; DOPA DECARBOXYLASE DEFICIENCY; Aromatic L-Amino Acid Decarboxylase Deficiency; Aromatic amino acid decarboxylase deficiency. Identifiers: Orphanet 35708, MedGen C1291564, MONDO:0012084, OMIM 608643.

Submission:

Labcorp Genetics (formerly Invitae), Labcorp
Classification: Pathogenic for Deficiency of aromatic-L-amino-acid decarboxylase. Last evaluated: 2023-02-13. Review status: criteria provided, single submitter. Criteria: Invitae Variant Classification Sherloc (09022015). Collection method: clinical testing. Allele origin: germline.
Comment: This sequence change creates a premature translational stop signal (p.Trp121*) in the DDC gene. It is expected to result in an absent or disrupted protein product. Loss-of-function variants in DDC are known to be pathogenic (PMID: 15079002, 24788355). This variant is not present in population databases (gnomAD no frequency). This variant has not been reported in the literature in individuals affected with DDC-related conditions. For these reasons, this variant has been classified as Pathogenic.

Literature cited by the submitters: PubMed 15079002; PubMed 24788355.

NM_001082971.2(DDC):c.362G>A (p.Trp121Ter)

Genes: DDC (dopa decarboxylase; minus strand), DDC-AS1 (DDC antisense RNA 1; plus strand). Cytogenetic location: 7p12.1.
Variant type: single nucleotide variant.
Coding change: c.362G>A on transcript NM_001082971.2 (MANE Select); coding-DNA position 362, G replaced by A.
Protein change: p.Trp121Ter; replaces tryptophan 121 with a stop codon.
Molecular consequence: nonsense. On other transcripts: intron variant (1).
Genome position (GRCh38, 1-based): chr7:50,537,933, C>T on the plus strand (G>A on the coding strand, the complement: DDC is on the minus strand). VCF-style: chr7-50537933-C-T. GRCh37 (hg19) VCF-style: chr7-50605631-C-T.
Other names: c.362G>A, p.Trp121Ter (NM_000790.4, NM_001242887.2, NM_001242889.2 and 1 more transcripts); c.248G>A, p.Trp83Ter (NM_001242886.2); c.201+5952G>A (NM_001242888.2); short protein forms W121*, W83*.
Identifiers: ClinVar variation 2836687 (VCV002836687.3), dbSNP rs2535472743, ClinGen allele CA367528321.
Genomic context (GRCh38, chr7:50,537,933, plus strand): 5'-CCCCCTTCTCCAGCTTTCTCATTCAAAAATGCCTTTGGTAGTTCCAGCATCTTCCCGAGC[C>T]AGTCCATCATCACAGTCTCCAGCTCTGTGCATGCTGGGCTTGCCGCCTGTCGTGGGGGAA-3'